The following is an entry in ClinVar:

NM_003476.5(CSRP3):c.349T>C (p.Ser117Pro)

Gene: CSRP3 (cysteine and glycine rich protein 3; minus strand). Cytogenetic location: 11p15.1.
Variant type: single nucleotide variant.
Coding change: c.349T>C on transcript NM_003476.5 (MANE Select); coding-DNA position 349, T replaced by C.
Protein change: p.Ser117Pro; replaces serine 117 with proline.
Molecular consequence: missense variant. On other transcripts: synonymous variant (1).
Genome position (GRCh38, 1-based): chr11:19,186,281, A>G on the plus strand (T>C on the coding strand, the complement: CSRP3 is on the minus strand). VCF-style: chr11-19186281-A-G. GRCh37 (hg19) VCF-style: chr11-19207828-A-G.
Other names: c.349T>C, p.Ser117Pro (NM_001127656.1); c.180T>C, p.Ser60= (NM_001369404.1); short protein forms S117P.
Identifiers: ClinVar variation 2939359 (VCV002939359.3), dbSNP rs1590103357, ClinGen allele CA379887960.
Genomic context (GRCh38, chr11:19,186,281, plus strand): 5'-CACCTCCCATAACCTTCTCAGCAGCATAGACTGACTTGCCACATCGAGGGCACTTCTCGG[A>G]CTCTCCAAACTTCGCAGTGAATTTGGAAGGGTTGCTGGTGGTAACTGAGCGTGCCGGCTT-3'
Protein context (NP_003467.1, residues 107-127): PSKFTAKFGE[Ser117Pro]EKCPRCGKSV

ClinVar aggregate classification (germline): Uncertain significance (1 of 4 stars; one submission).

Conditions:
Hypertrophic cardiomyopathy 12. Identifiers: MedGen C2677491, MONDO:0012804, OMIM 612124.
Dilated cardiomyopathy 1M (CMD1M). Identifiers: Orphanet 154, MedGen C1843808, MONDO:0011840, OMIM 607482.

Submission:

Labcorp Genetics (formerly Invitae), Labcorp
Classification: Uncertain significance for Hypertrophic cardiomyopathy 12; Dilated cardiomyopathy 1M. Last evaluated: 2024-01-31. Review status: criteria provided, single submitter. Criteria: Invitae Variant Classification Sherloc (09022015). Collection method: clinical testing. Allele origin: germline.
Comment: This sequence change replaces serine, which is neutral and polar, with proline, which is neutral and non-polar, at codon 117 of the CSRP3 protein (p.Ser117Pro). This variant is not present in population databases (gnomAD no frequency). This variant has not been reported in the literature in individuals affected with CSRP3-related conditions. An algorithm developed to predict the effect of missense changes on protein structure and function (PolyPhen-2) suggests that this variant is likely to be tolerated. In summary, the available evidence is currently insufficient to determine the role of this variant in disease. Therefore, it has been classified as a Variant of Uncertain Significance.